The following is an entry in ClinVar:

ClinVar aggregate classification (germline): Uncertain significance (1 of 4 stars; one submission).

gnomAD v4.1: 1 of 1,614,092 alleles (0.000062%); highest among the groups gnomAD compares: Non-Finnish European, 0.000085%; no homozygotes.

Submission:

Labcorp Genetics (formerly Invitae), Labcorp
Classification: Uncertain significance. Last evaluated: 2024-04-16. Review status: criteria provided, single submitter. Criteria: Invitae Variant Classification Sherloc (09022015). Collection method: clinical testing. Allele origin: germline.
Comment: This sequence change replaces glutamic acid, which is acidic and polar, with lysine, which is basic and polar, at codon 674 of the CFB protein (p.Glu674Lys). This variant is not present in population databases (gnomAD no frequency). This variant has not been reported in the literature in individuals affected with CFB-related conditions. Advanced modeling of protein sequence and biophysical properties (such as structural, functional, and spatial information, amino acid conservation, physicochemical variation, residue mobility, and thermodynamic stability) performed at Invitae indicates that this missense variant is not expected to disrupt CFB protein function with a negative predictive value of 80%. In summary, the available evidence is currently insufficient to determine the role of this variant in disease. Therefore, it has been classified as a Variant of Uncertain Significance.

NM_001710.6(CFB):c.2020G>A (p.Glu674Lys)

Gene: CFB (complement factor B; plus strand). Cytogenetic location: 6p21.33.
Variant type: single nucleotide variant.
Coding change: c.2020G>A on transcript NM_001710.6 (MANE Select); coding-DNA position 2020, G replaced by A.
Protein change: p.Glu674Lys; replaces glutamic acid 674 with lysine.
Molecular consequence: missense variant.
Genome position (GRCh38, 1-based): chr6:31,951,404, G>A. VCF-style: chr6-31951404-G-A. GRCh37 (hg19) VCF-style: chr6-31919181-G-A.
Other names: short protein forms E674K.
Identifiers: ClinVar variation 3650111 (VCV003650111.2).